The following is an entry in ClinVar:

NM_145046.5(CALR3):c.215G>A (p.Gly72Asp)

Gene: CALR3 (calreticulin 3; minus strand). Cytogenetic location: 19p13.11.
Variant type: single nucleotide variant.
Coding change: c.215G>A on transcript NM_145046.5 (MANE Select); coding-DNA position 215, G replaced by A.
Protein change: p.Gly72Asp; replaces glycine 72 with aspartic acid.
Molecular consequence: missense variant.
Genome position (GRCh38, 1-based): chr19:16,490,549, C>T on the plus strand (G>A on the coding strand, the complement: CALR3 is on the minus strand). VCF-style: chr19-16490549-C-T. GRCh37 (hg19) VCF-style: chr19-16601360-C-T.
Other names: short protein forms G72D.
Identifiers: ClinVar variation 191613 (VCV000191613.13), dbSNP rs182376945, ClinGen allele CA237064.

ClinVar aggregate classification (germline): Conflicting classifications of pathogenicity. Review status: criteria provided, conflicting classifications (1 of 4 stars). 3 submissions from 3 submitters: Uncertain significance (1); Likely benign (2). Last evaluated 2026-01-08.

Conditions:
Hypertrophic cardiomyopathy 19. Also called: Familial hypertrophic cardiomyopathy 19. Identifiers: MedGen CN077603, MONDO:0013476.

Allele frequency attached by ClinVar (database versions not stated): ESP Exome Variant Server 0.00008; gnomAD exomes 0.00010 and 0.00026; gnomAD 0.00014; ExAC 0.00018; TOPMed 0.00026; 1000 Genomes Project 0.00040; 1000 Genomes Project 30x 0.00047.
gnomAD v4.1: 170 of 1,614,048 alleles (0.011%); highest among the groups gnomAD compares: Admixed American, 0.12%; no homozygotes.

Submissions (3):

Labcorp Genetics (formerly Invitae), Labcorp
Classification: Likely benign for Hypertrophic cardiomyopathy 19. Last evaluated: 2026-01-08. Review status: criteria provided, single submitter. Criteria: Invitae Variant Classification Sherloc (09022015). Collection method: clinical testing. Allele origin: germline.

Blueprint Genetics
Classification: Likely benign. Last evaluated: 2024-09-19. Review status: criteria provided, single submitter. Criteria: ACMG Guidelines, 2015. Collection method: clinical testing. Allele origin: germline.

Biesecker Lab/Clinical Genomics Section, National Institutes of Health
Classification: Uncertain significance. Last evaluated: 2013-06-24. Review status: criteria provided, single submitter. Criteria: Ng et al. (Circ Cardiovasc Genet. 2013). Collection method: research. Allele origin: unknown. Observed: 1 variant allele. Study: ClinSeq.
Comment: The study set was not selected for affection status in relation to any cancer. Pathogenicity categories were based on literature curation. See Pubmed ID:23861362 for details.

Medical sequencing